The following is an entry in ClinVar:

ClinVar aggregate classification (germline): Uncertain significance (1 of 4 stars; one submission).

Conditions:
Inborn genetic diseases. Identifiers: MedGen C0950123, MeSH D030342.

Submission:

Ambry Genetics
Classification: Uncertain significance for Inborn genetic diseases. Last evaluated: 2025-02-22. Review status: criteria provided, single submitter. Criteria: Ambry Variant Classification Scheme 2023. Collection method: clinical testing. Allele origin: germline.
Comment: The p.G689S variant (also known as c.2065G>A), located in coding exon 15 of the MIB1 gene, results from a G to A substitution at nucleotide position 2065. The glycine at codon 689 is replaced by serine, an amino acid with similar properties. This amino acid position is conserved. In addition, the in silico prediction for this alteration is inconclusive. Based on the available evidence, the clinical significance of this variant remains unclear.

NM_020774.4(MIB1):c.2065G>A (p.Gly689Ser)

Gene: MIB1 (MIB E3 ubiquitin protein ligase 1; plus strand). Cytogenetic location: 18q11.2.
Variant type: single nucleotide variant.
Coding change: c.2065G>A on transcript NM_020774.4 (MANE Select); coding-DNA position 2065, G replaced by A.
Protein change: p.Gly689Ser; replaces glycine 689 with serine.
Molecular consequence: missense variant.
Genome position (GRCh38, 1-based): chr18:21,844,107, G>A. VCF-style: chr18-21844107-G-A. GRCh37 (hg19) VCF-style: chr18-19424068-G-A.
Other names: short protein forms G689S.
Identifiers: ClinVar variation 3872839 (VCV003872839.1).